The following is an entry in ClinVar:

ClinVar aggregate classification (germline): Uncertain significance. Review status: criteria provided, multiple submitters, no conflicts (2 of 4 stars). 3 submissions from 3 submitters: Uncertain significance (3). Last evaluated 2026-08-04.

Conditions:
Hereditary pheochromocytoma and paraganglioma. Also called: Hereditary Paraganglioma-Pheochromocytoma Syndromes; Hereditary paragangliomas and pheochromocytomas; Hereditary pheochromocytoma-paraganglioma. Identifiers: Orphanet 29072, MedGen C4274332, MONDO:0017366.
Hereditary cancer-predisposing syndrome. Also called: Neoplastic Syndromes, Hereditary; Hereditary Cancer Syndrome; Tumor predisposition; Hereditary neoplastic syndrome. Identifiers: Orphanet 140162, MedGen C0027672, MeSH D009386, MONDO:0015356.

Submissions (3):

Ambry Genetics
Classification: Uncertain significance for Hereditary cancer-predisposing syndrome. Last evaluated: 2026-08-04. Review status: criteria provided, single submitter. Criteria: Ambry Variant Classification Scheme 2023. Collection method: clinical testing. Allele origin: germline.
Comment: The p.H93Q variant (also known as c.279T>G), located in coding exon 3 of the SDHAF2 gene, results from a T to G substitution at nucleotide position 279. The histidine at codon 93 is replaced by glutamine, an amino acid with highly similar properties. This amino acid position is not well conserved in available vertebrate species. In addition, this alteration is predicted to be tolerated by in silico analysis. Based on the available evidence, the clinical significance of this variant remains unclear.

Labcorp Genetics (formerly Invitae), Labcorp
Classification: Uncertain significance for Hereditary pheochromocytoma and paraganglioma. Last evaluated: 2025-07-20. Review status: criteria provided, single submitter. Criteria: Invitae Variant Classification Sherloc (09022015). Collection method: clinical testing. Allele origin: germline.
Comment: This sequence change replaces histidine, which is basic and polar, with glutamine, which is neutral and polar, at codon 93 of the SDHAF2 protein (p.His93Gln). This variant is not present in population databases (gnomAD no frequency). This variant has not been reported in the literature in individuals affected with SDHAF2-related conditions. ClinVar contains an entry for this variant (Variation ID: 947339). An algorithm developed to predict the effect of missense changes on protein structure and function (PolyPhen-2) suggests that this variant is likely to be tolerated. In summary, the available evidence is currently insufficient to determine the role of this variant in disease. Therefore, it has been classified as a Variant of Uncertain Significance.

All of Us Research Program, National Institutes of Health
Classification: Uncertain significance for Hereditary pheochromocytoma and paraganglioma. Last evaluated: 2023-06-26. Review status: criteria provided, single submitter. Criteria: ACMG Guidelines, 2015. Collection method: clinical testing. Allele origin: germline. Inheritance: Autosomal dominant inheritance. Observed: 1 variant allele, 1 heterozygote.
Comment: This missense variant replaces histidine with glutamine at codon 93 of the SDHAF2 protein. Computational prediction suggests that this variant may not impact protein structure and function (internally defined REVEL score threshold <= 0.5, PMID: 27666373). To our knowledge, functional studies have not been reported for this variant. This variant has not been reported in individuals affected with SDHAF2-related disorders in the literature. This variant has not been identified in the general population by the Genome Aggregation Database (gnomAD). The available evidence is insufficient to determine the role of this variant in disease conclusively. Therefore, this variant is classified as a Variant of Uncertain Significance.

This study involves interpretation of variants in research participants for the purpose of population health screening. Participant phenotype was not available at the time of variant classification. Additional details can be found in publication PMID: 35346344, PMCID: PMC8962531

NM_017841.4(SDHAF2):c.279T>G (p.His93Gln)

Gene: SDHAF2 (succinate dehydrogenase complex assembly factor 2; plus strand). Cytogenetic location: 11q12.2.
Variant type: single nucleotide variant.
Coding change: c.279T>G on transcript NM_017841.4 (MANE Select); coding-DNA position 279, T replaced by G.
Protein change: p.His93Gln; replaces histidine 93 with glutamine.
Molecular consequence: missense variant.
Genome position (GRCh38, 1-based): chr11:61,438,022, T>G. VCF-style: chr11-61438022-T-G. GRCh37 (hg19) VCF-style: chr11-61205494-T-G.
Other names: short protein forms H93Q.
Identifiers: ClinVar variation 947339 (VCV000947339.13), dbSNP rs1374250850, ClinGen allele CA380684051.